The following is an entry in ClinVar:

NM_006084.5(IRF9):c.104A>G (p.Lys35Arg)

Gene: IRF9 (interferon regulatory factor 9; plus strand). Cytogenetic location: 14q12.
Variant type: single nucleotide variant.
Coding change: c.104A>G on transcript NM_006084.5 (MANE Select); coding-DNA position 104, A replaced by G.
Protein change: p.Lys35Arg; replaces lysine 35 with arginine.
Molecular consequence: missense variant.
Genome position (GRCh38, 1-based): chr14:24,162,248, A>G. VCF-style: chr14-24162248-A-G. GRCh37 (hg19) VCF-style: chr14-24631457-A-G.
Other names: c.104A>G, p.Lys35Arg (NM_001385400.1, NM_001385401.1, NM_001385402.1); short protein forms K35R.
Identifiers: ClinVar variation 3640622 (VCV003640622.2).

ClinVar aggregate classification (germline): Uncertain significance (1 of 4 stars; one submission).

Submission:

Labcorp Genetics (formerly Invitae), Labcorp
Classification: Uncertain significance. Last evaluated: 2024-02-14. Review status: criteria provided, single submitter. Criteria: Invitae Variant Classification Sherloc (09022015). Collection method: clinical testing. Allele origin: germline.
Comment: This sequence change replaces lysine, which is basic and polar, with arginine, which is basic and polar, at codon 35 of the IRF9 protein (p.Lys35Arg). This variant is not present in population databases (gnomAD no frequency). This variant has not been reported in the literature in individuals affected with IRF9-related conditions. An algorithm developed to predict the effect of missense changes on protein structure and function (PolyPhen-2) suggests that this variant is likely to be disruptive. In summary, the available evidence is currently insufficient to determine the role of this variant in disease. Therefore, it has been classified as a Variant of Uncertain Significance.